The following is an entry in ClinVar:

ClinVar aggregate classification (germline): Pathogenic (1 of 4 stars; one submission).

Conditions:
Charcot-Marie-Tooth disease type 4. Also called: Charcot-Marie-Tooth, Type 4; Charcot-Marie-Tooth disease, type IV. Identifiers: Orphanet 64749, MedGen C4082197, MONDO:0018995.

Submission:

Labcorp Genetics (formerly Invitae), Labcorp
Classification: Pathogenic for Charcot-Marie-Tooth disease type 4. Last evaluated: 2023-11-08. Review status: criteria provided, single submitter. Criteria: Invitae Variant Classification Sherloc (09022015). Collection method: clinical testing. Allele origin: germline.
Comment: This sequence change creates a premature translational stop signal (p.Tyr129*) in the SBF2 gene. It is expected to result in an absent or disrupted protein product. Loss-of-function variants in SBF2 are known to be pathogenic (PMID: 12687498, 25873783). This variant is not present in population databases (gnomAD no frequency). This variant has not been reported in the literature in individuals affected with SBF2-related conditions. Algorithms developed to predict the effect of sequence changes on RNA splicing suggest that this variant may disrupt the consensus splice site. For these reasons, this variant has been classified as Pathogenic.

Literature cited by the submitters: PubMed 12687498; PubMed 25873783.

NM_030962.4(SBF2):c.387T>A (p.Tyr129Ter)

Gene: SBF2 (SET binding factor 2; minus strand). Cytogenetic location: 11p15.4.
Variant type: single nucleotide variant.
Coding change: c.387T>A on transcript NM_030962.4 (MANE Select); coding-DNA position 387, T replaced by A.
Protein change: p.Tyr129Ter; replaces tyrosine 129 with a stop codon.
Molecular consequence: nonsense.
Genome position (GRCh38, 1-based): chr11:10,031,063, A>T on the plus strand (T>A on the coding strand, the complement: SBF2 is on the minus strand). VCF-style: chr11-10031063-A-T. GRCh37 (hg19) VCF-style: chr11-10052610-A-T.
Other names: c.387T>A, p.Tyr129Ter (NM_001386339.1, NM_001386342.1); c.423T>A, p.Tyr141Ter (NM_001424318.1, NM_001425069.1, NM_001425070.1); short protein forms Y129*, Y141*.
Identifiers: ClinVar variation 2730910 (VCV002730910.3), dbSNP rs1590797444, ClinGen allele CA379646558.